The following is an entry in ClinVar:

ClinVar aggregate classification (germline): Uncertain significance. Review status: criteria provided, multiple submitters, no conflicts (2 of 4 stars). 3 submissions from 3 submitters: Uncertain significance (3). Last evaluated 2024-10-22.

Conditions:
Sterile multifocal osteomyelitis with periostitis and pustulosis. Also called: CHRONIC RECURRENT MULTIFOCAL OSTEOMYELITIS 2, WITH PERIOSTITIS AND PUSTULOSIS. Identifiers: Orphanet 210115, MedGen C2748507, MONDO:0013021, OMIM 612852.

Allele frequency attached by ClinVar (database versions not stated): gnomAD 0.00005 and 0.00006; TOPMed 0.00008; 1000 Genomes Project 30x 0.00016; ExAC 0.00016; gnomAD exomes 0.00018; 1000 Genomes Project 0.00020.

Submissions (3):

Labcorp Genetics (formerly Invitae), Labcorp
Classification: Uncertain significance for Sterile multifocal osteomyelitis with periostitis and pustulosis. Last evaluated: 2024-10-22. Review status: criteria provided, single submitter. Criteria: Invitae Variant Classification Sherloc (09022015). Collection method: clinical testing. Allele origin: germline.
Comment: This sequence change replaces alanine, which is neutral and non-polar, with threonine, which is neutral and polar, at codon 143 of the IL1RN protein (p.Ala143Thr). This variant is present in population databases (rs565499594, gnomAD 0.1%). This variant has not been reported in the literature in individuals affected with IL1RN-related conditions. ClinVar contains an entry for this variant (Variation ID: 839673). An algorithm developed to predict the effect of missense changes on protein structure and function (PolyPhen-2) suggests that this variant is likely to be disruptive. In summary, the available evidence is currently insufficient to determine the role of this variant in disease. Therefore, it has been classified as a Variant of Uncertain Significance.

Mayo Clinic Laboratories, Mayo Clinic
Classification: Uncertain significance. Last evaluated: 2024-03-18. Review status: criteria provided, single submitter. Criteria: ACMG Guidelines, 2015. Collection method: clinical testing. Allele origin: germline. Observed: 2 variant alleles.
Comment: BP4

Baylor Genetics
Classification: Uncertain significance for Sterile multifocal osteomyelitis with periostitis and pustulosis. Last evaluated: 2020-02-17. Review status: criteria provided, single submitter. Criteria: ACMG Guidelines, 2015. Collection method: clinical testing. Allele origin: unknown. Affected: yes.
Comment: This variant was determined to be of uncertain significance according to ACMG Guidelines, 2015 [PMID:25741868].

NM_173842.3(IL1RN):c.418G>A (p.Ala140Thr)

Gene: IL1RN (interleukin 1 receptor antagonist; plus strand). Cytogenetic location: 2q14.1.
Variant type: single nucleotide variant.
Coding change: c.418G>A on transcript NM_173842.3 (MANE Select); coding-DNA position 418, G replaced by A.
Protein change: p.Ala140Thr; replaces alanine 140 with threonine.
Molecular consequence: missense variant.
Genome position (GRCh38, 1-based): chr2:113,132,755, G>A. VCF-style: chr2-113132755-G-A. GRCh37 (hg19) VCF-style: chr2-113890332-G-A.
Other names: p.Ala143Thr; c.364G>A, p.Ala122Thr (NM_000577.5); c.316G>A, p.Ala106Thr (NM_001318914.2, NM_001379360.1, NM_173843.3); c.427G>A, p.Ala143Thr (NM_173841.3); short protein forms A140T, A106T, A122T, A143T.
Identifiers: ClinVar variation 839673 (VCV000839673.10), dbSNP rs565499594, ClinGen allele CA1838896.